The following is an entry in ClinVar:

NM_000268.4(NF2):c.84C>T (p.Thr28=)

Gene: NF2 (NF2, moesin-ezrin-radixin like (MERLIN) tumor suppressor; plus strand). Cytogenetic location: 22q12.2.
Variant type: single nucleotide variant.
Coding change: c.84C>T on transcript NM_000268.4 (MANE Select); coding-DNA position 84, C replaced by T.
Protein change: p.Thr28=; no amino-acid change (threonine 28 retained).
Molecular consequence: synonymous variant. On other transcripts: non-coding transcript variant (1).
Genome position (GRCh38, 1-based): chr22:29,604,082, C>T. VCF-style: chr22-29604082-C-T. GRCh37 (hg19) VCF-style: chr22-30000071-C-T.
Other names: c.84C>T, p.Thr28= (NM_016418.5, NM_181825.3, NM_181828.3 and 5 more transcripts).
Identifiers: ClinVar variation 822515 (VCV000822515.28), dbSNP rs1410448416, ClinGen allele CA514184270.
Genomic context (GRCh38, chr22:29,604,082, plus strand): 5'-CATGAGCTTCAGCTCTCTCAAGAGGAAGCAACCCAAGACGTTCACCGTGAGGATCGTCAC[C>T]ATGGACGCCGAGATGGAGTTCAATTGCGAGGTAACCGGCCGGCAGCCCCGACTGCTGCGG-3'
Protein context (NP_000259.1, residues 18-38): QPKTFTVRIV[Thr28=]MDAEMEFNCE

ClinVar aggregate classification (germline): Likely benign. Review status: criteria provided, multiple submitters, no conflicts (2 of 4 stars). 5 submissions from 5 submitters: Likely benign (5). Last evaluated 2025-10-21.

Conditions:
Neurofibromatosis, type 2 (SWNV). Also called: BILATERAL ACOUSTIC NEUROFIBROMATOSIS; NF2-Related Schwannomatosis; SCHWANNOMATOSIS, VESTIBULAR. Identifiers: Orphanet 637, MedGen C0027832, MONDO:0007039, OMIM 101000. Disease mechanism: loss of function.
Hereditary cancer-predisposing syndrome. Also called: Tumor predisposition; Hereditary neoplastic syndrome; Neoplastic Syndromes, Hereditary; Hereditary Cancer Syndrome. Identifiers: Orphanet 140162, MedGen C0027672, MeSH D009386, MONDO:0015356.

Allele frequency attached by ClinVar (database versions not stated): gnomAD exomes below 0.00001; TOPMed below 0.00001.
gnomAD v4.1: 3 of 1,607,458 alleles (0.00019%); highest among the groups gnomAD compares: Non-Finnish European, 0.00025%; no homozygotes.

Submissions (5):

Labcorp Genetics (formerly Invitae), Labcorp
Classification: Likely benign for Neurofibromatosis, type 2. Last evaluated: 2025-10-21. Review status: criteria provided, single submitter. Criteria: Invitae Variant Classification Sherloc (09022015). Collection method: clinical testing. Allele origin: germline.

CeGaT Center for Human Genetics Tuebingen
Classification: Likely benign. Last evaluated: 2025-08-01. Review status: criteria provided, single submitter. Criteria: CeGaT Center For Human Genetics Tuebingen Variant Classification Criteria Version 2. Collection method: clinical testing. Allele origin: germline. Affected: yes. Observed: 1 variant allele.
Comment: NF2: BP4, BP7

All of Us Research Program, National Institutes of Health
Classification: Likely benign for Neurofibromatosis, type 2. Last evaluated: 2024-07-29. Review status: criteria provided, single submitter. Criteria: ACMG Guidelines, 2015. Collection method: clinical testing. Allele origin: germline. Inheritance: Autosomal dominant inheritance. Observed: 1 variant allele, 1 heterozygote.
Comment: This study involves interpretation of variants in research participants for the purpose of population health screening. Participant phenotype was not available at the time of variant classification. Additional details can be found in publication PMID: 35346344, PMCID: PMC8962531

Blueprint Genetics
Classification: Likely benign. Last evaluated: 2020-08-18. Review status: criteria provided, single submitter. Criteria: ACMG Guidelines, 2015. Collection method: clinical testing. Allele origin: germline.

Ambry Genetics
Classification: Likely benign for Hereditary cancer-predisposing syndrome. Last evaluated: 2019-01-30. Review status: criteria provided, single submitter. Criteria: Ambry Variant Classification Scheme 2023. Collection method: clinical testing. Allele origin: germline.